The following is an entry in ClinVar:

NM_000489.6(ATRX):c.1674T>A (p.Ser558Arg)

Gene: ATRX (ATRX chromatin remodeler; minus strand). Cytogenetic location: Xq21.1.
Variant type: single nucleotide variant.
Coding change: c.1674T>A on transcript NM_000489.6 (MANE Select); coding-DNA position 1674, T replaced by A.
Protein change: p.Ser558Arg; replaces serine 558 with arginine.
Molecular consequence: missense variant.
Genome position (GRCh38, 1-based): chrX:77,683,582, A>T on the plus strand (T>A on the coding strand, the complement: ATRX is on the minus strand). VCF-style: chrX-77683582-A-T. GRCh37 (hg19) VCF-style: chrX-76939074-A-T.
Other names: c.1560T>A, p.Ser520Arg (NM_138270.5); short protein forms S558R, S520R.
Identifiers: ClinVar variation 582696 (VCV000582696.9), dbSNP rs1569539199, ClinGen allele CA413716976.

ClinVar aggregate classification (germline): Uncertain significance (1 of 4 stars; one submission).

Conditions:
Alpha thalassemia-X-linked intellectual disability syndrome (ATRX). Also called: ALPHA-THALASSEMIA/IMPAIRED INTELLECTUAL DEVELOPMENT SYNDROME, X-LINKED; ALPHA-THALASSEMIA/MENTAL RETARDATION SYNDROME, X-LINKED; ATR, NONDELETION TYPE; X-linked alpha-thalassemia-mental retardation syndrome; ATR-X syndrome; Alpha thalassemia mental retardation syndrome, nondeletion type, X-linked. Identifiers: Orphanet 847, MedGen C1845055, MONDO:0010519, OMIM 301040.

Allele frequency attached by ClinVar (database versions not stated): gnomAD exomes below 0.00001.
gnomAD v4.1: 2 of 1,210,654 alleles (0.00017%); highest among the groups gnomAD compares: Non-Finnish European, 0.00022%; no homozygotes.

Submission:

Labcorp Genetics (formerly Invitae), Labcorp
Classification: Uncertain significance for Alpha thalassemia-X-linked intellectual disability syndrome. Last evaluated: 2018-04-28. Review status: criteria provided, single submitter. Criteria: Invitae Variant Classification Sherloc (09022015). Collection method: clinical testing. Allele origin: germline.
Comment: In summary, the available evidence is currently insufficient to determine the role of this variant in disease. Therefore, it has been classified as a Variant of Uncertain Significance. Algorithms developed to predict the effect of missense changes on protein structure and function output the following: SIFT: "Deleterious"; PolyPhen-2: "Benign"; Align-GVGD: "Class C0". The arginine amino acid residue is found in multiple mammalian species, suggesting that this missense change does not adversely affect protein function. These predictions have not been confirmed by published functional studies and their clinical significance is uncertain. This variant has not been reported in the literature in individuals with ATRX-related disease. This variant is not present in population databases (ExAC no frequency). This sequence change replaces serine with arginine at codon 558 of the ATRX protein (p.Ser558Arg). The serine residue is weakly conserved and there is a moderate physicochemical difference between serine and arginine.